The following is an entry in ClinVar:

ClinVar aggregate classification (germline): Uncertain significance. Review status: criteria provided, multiple submitters, no conflicts (2 of 4 stars). 2 submissions from 2 submitters: Uncertain significance (2). Last evaluated 2023-12-20.

Conditions:
Hereditary pulmonary alveolar proteinosis. Also called: Pulmonary surfactant metabolism dysfunction. Identifiers: Orphanet 264675, MedGen C3711368, MONDO:0012580.

Allele frequency attached by ClinVar (database versions not stated): gnomAD exomes below 0.00001 and 0.00002; ExAC 0.00003; TOPMed 0.00006; ESP Exome Variant Server 0.00008; gnomAD 0.00008 and 0.00009.
gnomAD v4.1: 15 of 1,613,084 alleles (0.00093%); highest among the groups gnomAD compares: African/African-American, 0.02%; no homozygotes.

Submissions (2):

Ambry Genetics
Classification: Uncertain significance for Hereditary pulmonary alveolar proteinosis. Last evaluated: 2023-12-20. Review status: criteria provided, single submitter. Criteria: Ambry Variant Classification Scheme 2023. Collection method: clinical testing. Allele origin: germline.

GeneDx
Classification: Uncertain significance. Last evaluated: 2020-12-30. Review status: criteria provided, single submitter. Criteria: GeneDx Variant Classification Process June 2021. Collection method: clinical testing. Allele origin: germline. Affected: yes.
Comment: In silico analysis, which includes protein predictors and evolutionary conservation, supports a deleterious effect; Has not been previously published as pathogenic or benign to our knowledge

NM_001089.3(ABCA3):c.1600C>T (p.His534Tyr)

Gene: ABCA3 (ATP binding cassette subfamily A member 3; minus strand). Cytogenetic location: 16p13.3.
Variant type: single nucleotide variant.
Coding change: c.1600C>T on transcript NM_001089.3 (MANE Select); coding-DNA position 1600, C replaced by T.
Protein change: p.His534Tyr; replaces histidine 534 with tyrosine.
Molecular consequence: missense variant.
Genome position (GRCh38, 1-based): chr16:2,300,016, G>A on the plus strand (C>T on the coding strand, the complement: ABCA3 is on the minus strand). VCF-style: chr16-2300016-G-A. GRCh37 (hg19) VCF-style: chr16-2350017-G-A.
Other names: short protein forms H534Y.
Identifiers: ClinVar variation 1318710 (VCV001318710.3), dbSNP rs137950456, ClinGen allele CA7841193.